The following is an entry in ClinVar:

NM_001134407.3(GRIN2A):c.1326C>G (p.Ile442Met)

Gene: GRIN2A (glutamate ionotropic receptor NMDA type subunit 2A; minus strand). Cytogenetic location: 16p13.2.
Variant type: single nucleotide variant.
Coding change: c.1326C>G on transcript NM_001134407.3 (MANE Select); coding-DNA position 1326, C replaced by G.
Protein change: p.Ile442Met; replaces isoleucine 442 with methionine.
Molecular consequence: missense variant.
Genome position (GRCh38, 1-based): chr16:9,849,758, G>C on the plus strand (C>G on the coding strand, the complement: GRIN2A is on the minus strand). VCF-style: chr16-9849758-G-C. GRCh37 (hg19) VCF-style: chr16-9943615-G-C.
Other names: c.1326C>G, p.Ile442Met (NM_000833.5, NM_001134408.2); short protein forms I442M.
Identifiers: ClinVar variation 887313 (VCV000887313.8), dbSNP rs2042847762, ClinGen allele CA394800922.

ClinVar aggregate classification (germline): Uncertain significance. Review status: criteria provided, multiple submitters, no conflicts (2 of 4 stars). 3 submissions from 3 submitters: Uncertain significance (3). Last evaluated 2026-03-31.

Conditions:
Landau-Kleffner syndrome (FESD). Also called: APHASIA, ACQUIRED, WITH EPILEPSY; EPILEPSY, FOCAL, WITH SPEECH DISORDER AND WITH OR WITHOUT MENTAL RETARDATION. Identifiers: Orphanet 1945, Orphanet 725, Orphanet 98818, MedGen C0282512, MONDO:0009509, OMIM 245570.

gnomAD v4.1: 1 of 1,613,100 alleles (0.000062%); highest among the groups gnomAD compares: Non-Finnish European, 0.000085%; no homozygotes.

Submissions (3):

GeneDx
Classification: Uncertain significance. Last evaluated: 2026-03-31. Review status: criteria provided, single submitter. Criteria: GeneDx Variant Classification Process June 2021. Collection method: clinical testing. Allele origin: germline.
Comment: Has not been previously published as pathogenic or benign to our knowledge; Not observed at significant frequency in large population cohorts (gnomAD); In silico analysis suggests that this missense variant does not alter protein structure/function; This variant is associated with the following publications: (PMID: 27839871)

Labcorp Genetics (formerly Invitae), Labcorp
Classification: Uncertain significance for Landau-Kleffner syndrome. Last evaluated: 2023-04-12. Review status: criteria provided, single submitter. Criteria: Invitae Variant Classification Sherloc (09022015). Collection method: clinical testing. Allele origin: germline.
Comment: ClinVar contains an entry for this variant (Variation ID: 887313). In summary, the available evidence is currently insufficient to determine the role of this variant in disease. Therefore, it has been classified as a Variant of Uncertain Significance. An algorithm developed to predict the effect of missense changes on protein structure and function (PolyPhen-2) suggests that this variant is likely to be tolerated. This variant has not been reported in the literature in individuals affected with GRIN2A-related conditions. This variant is not present in population databases (gnomAD no frequency). This sequence change replaces isoleucine, which is neutral and non-polar, with methionine, which is neutral and non-polar, at codon 442 of the GRIN2A protein (p.Ile442Met).

Illumina Laboratory Services, Illumina
Classification: Uncertain significance for Landau-Kleffner syndrome. Last evaluated: 2018-01-12. Review status: criteria provided, single submitter. Criteria: ICSL Variant Classification Criteria 13 December 2019. Collection method: clinical testing. Allele origin: germline.